The following is an entry in ClinVar:

ClinVar aggregate classification (germline): Uncertain significance (1 of 4 stars; one submission).

Conditions:
Primary dilated cardiomyopathy (DCM). Also called: Dilated Cardiomyopathy. Identifiers: Orphanet 217604, MedGen C0007193, MeSH D002311, MONDO:0005021, HP:0001644. Inheritance: Various modes of inheritance.

Allele frequency attached by ClinVar (database versions not stated): gnomAD exomes below 0.00001; ExAC 0.00002.

Submission:

Labcorp Genetics (formerly Invitae), Labcorp
Classification: Uncertain significance for Primary dilated cardiomyopathy. Last evaluated: 2022-08-24. Review status: criteria provided, single submitter. Criteria: Invitae Variant Classification Sherloc (09022015). Collection method: clinical testing. Allele origin: germline.
Comment: This sequence change replaces histidine, which is basic and polar, with arginine, which is basic and polar, at codon 143 of the TXNRD2 protein (p.His143Arg). This variant is present in population databases (rs778024620, gnomAD 0.006%). This variant has not been reported in the literature in individuals affected with TXNRD2-related conditions. Algorithms developed to predict the effect of missense changes on protein structure and function are either unavailable or do not agree on the potential impact of this missense change (SIFT: "Tolerated"; PolyPhen-2: "Probably Damaging"; Align-GVGD: "Class C0"). In summary, the available evidence is currently insufficient to determine the role of this variant in disease. Therefore, it has been classified as a Variant of Uncertain Significance.

NM_006440.5(TXNRD2):c.428A>G (p.His143Arg)

Gene: TXNRD2 (thioredoxin reductase 2; minus strand). Cytogenetic location: 22q11.21.
Variant type: single nucleotide variant.
Coding change: c.428A>G on transcript NM_006440.5 (MANE Select); coding-DNA position 428, A replaced by G.
Protein change: p.His143Arg; replaces histidine 143 with arginine.
Molecular consequence: missense variant. On other transcripts: non-coding transcript variant (1).
Genome position (GRCh38, 1-based): chr22:19,918,164, T>C on the plus strand (A>G on the coding strand, the complement: TXNRD2 is on the minus strand). VCF-style: chr22-19918164-T-C. GRCh37 (hg19) VCF-style: chr22-19905687-T-C.
Other names: c.428A>G, p.His143Arg (NM_001282512.3); c.425A>G, p.His142Arg (NM_001352300.2); c.338A>G, p.His113Arg (NM_001352301.2); c.140A>G, p.His47Arg (NM_001352302.2); c.332A>G, p.His111Arg (NM_001352303.2); short protein forms H111R, H142R, H143R, H47R, H113R.
Identifiers: ClinVar variation 1978767 (VCV001978767.4), dbSNP rs778024620, ClinGen allele CA10104212.